The following is an entry in ClinVar:

ClinVar aggregate classification (germline): Uncertain significance. Review status: criteria provided, multiple submitters, no conflicts (2 of 4 stars). 3 submissions from 3 submitters: Uncertain significance (3). Last evaluated 2025-02-21.

Conditions:
Inborn genetic diseases. Identifiers: MedGen C0950123, MeSH D030342.
Fanconi anemia (FA). Also called: Fanconi's anemia. Identifiers: Orphanet 84, MedGen C0015625, MeSH D005199, MONDO:0019391.

Allele frequency attached by ClinVar (database versions not stated): gnomAD exomes below 0.00001; ExAC 0.00001; gnomAD 0.00001.
gnomAD v4.1: 2 of 1,613,864 alleles (0.00012%); highest among the groups gnomAD compares: African/African-American, 0.0013%; no homozygotes.

Submissions (3):

Ambry Genetics
Classification: Uncertain significance for Inborn genetic diseases. Last evaluated: 2025-02-21. Review status: criteria provided, single submitter. Criteria: Ambry Variant Classification Scheme 2023. Collection method: clinical testing. Allele origin: germline.
Comment: The p.D1747G variant (also known as c.5240A>G), located in coding exon 20 of the FANCM gene, results from an A to G substitution at nucleotide position 5240. The aspartic acid at codon 1747 is replaced by glycine, an amino acid with similar properties. This amino acid position is conserved. In addition, this alteration is predicted to be tolerated by in silico analysis. Based on the available evidence, the clinical significance of this variant remains unclear.

GeneDx
Classification: Uncertain significance. Last evaluated: 2023-10-03. Review status: criteria provided, single submitter. Criteria: GeneDx Variant Classification Process June 2021. Collection method: clinical testing. Allele origin: germline. Affected: yes.
Comment: Not observed at significant frequency in large population cohorts (gnomAD); In silico analysis supports that this missense variant has a deleterious effect on protein structure/function; Has not been previously published as pathogenic or benign to our knowledge

Labcorp Genetics (formerly Invitae), Labcorp
Classification: Uncertain significance for Fanconi anemia. Last evaluated: 2022-10-13. Review status: criteria provided, single submitter. Criteria: Invitae Variant Classification Sherloc (09022015). Collection method: clinical testing. Allele origin: germline.
Comment: Algorithms developed to predict the effect of missense changes on protein structure and function output the following: SIFT: "Tolerated"; PolyPhen-2: "Benign"; Align-GVGD: "Class C0". The glycine amino acid residue is found in multiple mammalian species, which suggests that this missense change does not adversely affect protein function. In summary, the available evidence is currently insufficient to determine the role of this variant in disease. Therefore, it has been classified as a Variant of Uncertain Significance. ClinVar contains an entry for this variant (Variation ID: 1463336). This variant has not been reported in the literature in individuals affected with FANCM-related conditions. This variant is present in population databases (rs764718852, gnomAD 0.004%). This sequence change replaces aspartic acid, which is acidic and polar, with glycine, which is neutral and non-polar, at codon 1747 of the FANCM protein (p.Asp1747Gly).

NM_020937.4(FANCM):c.5240A>G (p.Asp1747Gly)

Gene: FANCM (FA complementation group M; plus strand). Cytogenetic location: 14q21.2.
Variant type: single nucleotide variant.
Coding change: c.5240A>G on transcript NM_020937.4 (MANE Select); coding-DNA position 5240, A replaced by G.
Protein change: p.Asp1747Gly; replaces aspartic acid 1747 with glycine.
Molecular consequence: missense variant.
Genome position (GRCh38, 1-based): chr14:45,189,262, A>G. VCF-style: chr14-45189262-A-G. GRCh37 (hg19) VCF-style: chr14-45658465-A-G.
Other names: c.5240A>G (NM_020937.2); c.5162A>G, p.Asp1721Gly (NM_001308133.2); short protein forms D1747G, D1721G.
Identifiers: ClinVar variation 1463336 (VCV001463336.10), dbSNP rs764718852, ClinGen allele CA7169939.